The following is an entry in ClinVar:

ClinVar aggregate classification (germline): Uncertain significance (1 of 4 stars; one submission).

Conditions:
Candidiasis, familial, 9 (CANDF9). Identifiers: Orphanet 1334, MedGen C4225324, MONDO:0014642, OMIM 616445.

Allele frequency attached by ClinVar (database versions not stated): TOPMed 0.00002; ExAC 0.00001; gnomAD exomes 0.00001.
gnomAD v4.1: 7 of 1,612,772 alleles (0.00043%); highest among the groups gnomAD compares: Admixed American, 0.01%; no homozygotes.

Submissions (2):

Labcorp Genetics (formerly Invitae), Labcorp
Classification: Uncertain significance for Candidiasis, familial, 9. Last evaluated: 2025-02-28. Review status: criteria provided, single submitter. Criteria: Invitae Variant Classification Sherloc (09022015). Collection method: clinical testing. Allele origin: germline.
Comment: This sequence change falls in intron 16 of the IL17RC gene. It does not directly change the encoded amino acid sequence of the IL17RC protein. It affects a nucleotide within the consensus splice site. This variant is present in population databases (rs768297364, gnomAD 0.01%). This variant has not been reported in the literature in individuals affected with IL17RC-related conditions. ClinVar contains an entry for this variant (Variation ID: 2963163). Variants that disrupt the consensus splice site are a relatively common cause of aberrant splicing (PMID: 17576681, 9536098). Algorithms developed to predict the effect of sequence changes on RNA splicing suggest that this variant may disrupt the consensus splice site. In summary, the available evidence is currently insufficient to determine the role of this variant in disease. Therefore, it has been classified as a Variant of Uncertain Significance.

Dr. Peter K. Rogan Lab, Western University
No classification provided (evidence only). Condition: Ovarian serous cystadenocarcinoma. Review status: no classification provided. Collection method: in vitro. Allele origin: not applicable. Functional consequence: retained intron. Not counted in ClinVar's aggregate classification.

Literature cited by the submitters: PubMed 17576681 (cited by Labcorp Genetics (formerly Invitae), Labcorp); PubMed 9536098 (cited by Labcorp Genetics (formerly Invitae), Labcorp).

NM_153460.4(IL17RC):c.1387+6T>C

Gene: IL17RC (interleukin 17 receptor C; plus strand). Cytogenetic location: 3p25.3.
Variant type: single nucleotide variant.
Coding change: c.1387+6T>C on transcript NM_153460.4 (MANE Select); 6 bases into the intron after coding-DNA position 1387, T replaced by C.
Molecular consequence: intron variant.
Genome position (GRCh38, 1-based): chr3:9,930,949, T>C. VCF-style: chr3-9930949-T-C. GRCh37 (hg19) VCF-style: chr3-9972633-T-C.
Other names: c.1600+6T>C (NM_153461.4); c.1387+6T>C (NM_001203263.2); c.1336+6T>C (NM_001203264.2); c.1348+6T>C (NM_001367278.1); c.1342+6T>C (NM_032732.6, NM_001367280.1); c.1291+6T>C (NM_001203265.2, NM_001410711.1); c.1267+6T>C (NM_001367279.1).
Identifiers: ClinVar variation 2963163 (VCV002963163.4), dbSNP rs768297364, ClinGen allele CA2247256.
Genomic context (GRCh38, chr3:9,930,949, plus strand): 5'-TTACAGCTATGGGACGATGACTTGGGAGCGCTATGGGCCTGCCCCATGGACAAATGTGAG[T>C]ATTGTAAGAACTGCCTTTCCTTTCTGTACCAGGAGTGGGGATCTTGACAGGGACCACTCT-3'